The following is an entry in ClinVar:

NM_001370259.2(MEN1):c.994C>T (p.Arg332Cys)

Gene: MEN1 (menin 1; minus strand). Cytogenetic location: 11q13.1.
Variant type: single nucleotide variant.
Coding change: c.994C>T on transcript NM_001370259.2 (MANE Select); coding-DNA position 994, C replaced by T.
Protein change: p.Arg332Cys; replaces arginine 332 with cysteine.
Molecular consequence: missense variant.
Genome position (GRCh38, 1-based): chr11:64,806,287, G>A on the plus strand (C>T on the coding strand, the complement: MEN1 is on the minus strand). VCF-style: chr11-64806287-G-A. GRCh37 (hg19) VCF-style: chr11-64573759-G-A.
Other names: c.1009C>T, p.Arg337Cys (NM_000244.4, NM_130800.3, NM_130801.3 and 3 more transcripts); c.994C>T, p.Arg332Cys (NM_001370251.2, NM_001370260.2, NM_001370261.2 and 1 more transcripts); c.889C>T, p.Arg297Cys (NM_001370262.2, NM_001370263.2); short protein forms R332C, R297C, R337C.
Identifiers: ClinVar variation 961477 (VCV000961477.11), dbSNP rs1941721650, ClinGen allele CA381183285.
Genomic context (GRCh38, chr11:64,806,287, plus strand): 5'-CTCACTCCTGGATGACAGTGGCCGTGTCCGCCCAGGCCTGCAGGGCTTCCCGCACATTGC[G>A]GTTGCGACAGTGGTAGCCAGCCAGGTACATGTAGGGGTAGATGTGTTCATCCCGATAGTA-3'
Protein context (NP_001357188.2, residues 322-342): MYLAGYHCRN[Arg332Cys]NVREALQAWA

ClinVar aggregate classification (germline): Uncertain significance. Review status: criteria provided, multiple submitters, no conflicts (2 of 4 stars). 2 submissions from 2 submitters: Uncertain significance (2). Last evaluated 2025-12-03.

Conditions:
Hereditary cancer-predisposing syndrome. Also called: Hereditary neoplastic syndrome; Tumor predisposition; Neoplastic Syndromes, Hereditary; Hereditary Cancer Syndrome. Identifiers: Orphanet 140162, MedGen C0027672, MeSH D009386, MONDO:0015356.
Multiple endocrine neoplasia, type 1 (MEN1). Also called: MEN I; WERMER SYNDROME; Endocrine adenomatosis multiple; MEN 1; MEA I. Identifiers: Orphanet 652, MedGen C0025267, MeSH D018761, MONDO:0007540, OMIM 131100.

Submissions (2):

Ambry Genetics
Classification: Uncertain significance for Hereditary cancer-predisposing syndrome. Last evaluated: 2025-12-03. Review status: criteria provided, single submitter. Criteria: Ambry Variant Classification Scheme 2023. Collection method: clinical testing. Allele origin: germline.
Comment: The p.R332C variant (also known as c.994C>T), located in coding exon 6 of the MEN1 gene, results from a C to T substitution at nucleotide position 994. The arginine at codon 332 is replaced by cysteine, an amino acid with highly dissimilar properties. This amino acid position is conserved. In addition, this alteration is predicted to be deleterious by in silico analysis. Based on the available evidence, the clinical significance of this variant remains unclear.

Labcorp Genetics (formerly Invitae), Labcorp
Classification: Uncertain significance for Multiple endocrine neoplasia, type 1. Last evaluated: 2020-09-03. Review status: criteria provided, single submitter. Criteria: Invitae Variant Classification Sherloc (09022015). Collection method: clinical testing. Allele origin: germline.
Comment: This variant is not present in population databases (ExAC no frequency). This sequence change replaces arginine with cysteine at codon 332 of the MEN1 protein (p.Arg332Cys). The arginine residue is highly conserved and there is a large physicochemical difference between arginine and cysteine. This variant has not been reported in the literature in individuals with MEN1-related conditions. Algorithms developed to predict the effect of missense changes on protein structure and function (SIFT, PolyPhen-2, Align-GVGD) all suggest that this variant is likely to be disruptive, but these predictions have not been confirmed by published functional studies and their clinical significance is uncertain. In summary, the available evidence is currently insufficient to determine the role of this variant in disease. Therefore, it has been classified as a Variant of Uncertain Significance.